The following is an entry in ClinVar:

NM_080425.4(GNAS):c.445C>A (p.Pro149Thr)

Gene: GNAS (GNAS complex locus; plus strand). Cytogenetic location: 20q13.32.
Variant type: single nucleotide variant.
Coding change: c.445C>A on transcript NM_080425.4 (MANE Plus Clinical); coding-DNA position 445, C replaced by A.
Protein change: p.Pro149Thr; replaces proline 149 with threonine.
Molecular consequence: missense variant. On other transcripts: intron variant (3).
Genome position (GRCh38, 1-based): chr20:58,853,710, C>A. VCF-style: chr20-58853710-C-A. GRCh37 (hg19) VCF-style: chr20-57428765-C-A.
Other names: c.258C>A, p.Asp86Glu (NM_001077490.3, NM_001309883.1); c.445C>A, p.Pro149Thr (NM_001410913.1); c.*42+12824C>A (NM_016592.5); c.43+12824C>A (NM_001410912.1); c.-39+11835C>A (NM_001309861.2); short protein forms D86E, P149T.
Identifiers: ClinVar variation 3350469 (VCV003350469.2).

ClinVar aggregate classification (germline): Uncertain significance (1 of 4 stars; one submission).

Conditions:
GNAS-related disorder. Identifiers: MedGen CN380105.

gnomAD v4.1: 9 of 1,613,864 alleles (0.00056%); highest among the groups gnomAD compares: Admixed American, 0.0067%; no homozygotes.

Submission:

PreventionGenetics, part of Exact Sciences
Classification: Uncertain significance for GNAS-related condition. Last evaluated: 2025-01-21. Review status: criteria provided, single submitter. Criteria: ACMG Guidelines, 2015. Collection method: clinical testing. Allele origin: germline.
Comment: The GNAS c.445C>A variant is predicted to result in the amino acid substitution p.Pro149Thr. This variant can also be referred to as precoding variant c.-38017C>A with the more commonly reported transcript NM_000516. To our knowledge, this variant has not been reported in the literature. This variant is reported in 0.014% of alleles in individuals of Latino descent in gnomAD. Although we suspect that this variant may be benign, at this time, the clinical significance of this variant is uncertain due to the absence of conclusive functional and genetic evidence.